The following is an entry in ClinVar:

NM_006593.4(TBR1):c.736C>G (p.Pro246Ala)

Gene: TBR1 (T-box brain transcription factor 1; plus strand). Cytogenetic location: 2q24.2.
Variant type: single nucleotide variant.
Coding change: c.736C>G on transcript NM_006593.4 (MANE Select); coding-DNA position 736, C replaced by G.
Protein change: p.Pro246Ala; replaces proline 246 with alanine.
Molecular consequence: missense variant.
Genome position (GRCh38, 1-based): chr2:161,417,719, C>G. VCF-style: chr2-161417719-C-G. GRCh37 (hg19) VCF-style: chr2-162274230-C-G.
Other names: p.Pro246Ala; short protein forms P246A.
Identifiers: ClinVar variation 3602074 (VCV003602074.2).

ClinVar aggregate classification (germline): Uncertain significance (1 of 4 stars; one submission).

Conditions:
Intellectual developmental disorder with autism and speech delay. Also called: AUTS5; Autism, susceptibility to, 5; Autism 5; AUTISM-RELATED SPEECH DELAY; PHRASE SPEECH DELAY, AUTISM-RELATED. Identifiers: MedGen C1853755, MONDO:0011627, OMIM 606053.

Submission:

Foundation for Research in Genetics and Endocrinology, FRIGE's Institute of Human Genetics
Classification: Uncertain significance for Intellectual developmental disorder with autism and speech delay. Last evaluated: 2024-12-30. Review status: criteria provided, single submitter. Criteria: ACMG Guidelines, 2015. Collection method: clinical testing. Allele origin: unknown. Inheritance: Autosomal dominant inheritance. Affected: yes. Observed: 1 heterozygote.
Comment: A heterozygous missense variant in exon 2 of the TBR1 gene that results in the amino acid substitution of Alanine for Proline at codon 246 was detected. The observed variant c.736C>G (p.Pro246Ala) has not been reported in the 1000 genomes and gnomAD databases. The in silico prediction of the variant are damaging by MutationTaster2, Proveanand REVEL with CADD score of 22.1. The reference codon is conserved across species. In summary the variant meets our criteria to be classified as a variant of uncertain significance.